The following is an entry in ClinVar:

ClinVar aggregate classification (germline): Uncertain significance (1 of 4 stars; one submission).

Submission:

Labcorp Genetics (formerly Invitae), Labcorp
Classification: Uncertain significance. Last evaluated: 2021-03-07. Review status: criteria provided, single submitter. Criteria: Invitae Variant Classification Sherloc (09022015). Collection method: clinical testing. Allele origin: germline.
Comment: This variant has not been reported in the literature in individuals with PAX3-related conditions. Algorithms developed to predict the effect of missense changes on protein structure and function are either unavailable or do not agree on the potential impact of this missense change (SIFT: "Deleterious"; PolyPhen-2: "Probably Damaging"; Align-GVGD: "Class C0"). In summary, the available evidence is currently insufficient to determine the role of this variant in disease. Therefore, it has been classified as a Variant of Uncertain Significance. This variant is not present in population databases (ExAC no frequency). This sequence change replaces glycine with glutamic acid at codon 394 of the PAX3 protein (p.Gly394Glu). The glycine residue is highly conserved and there is a moderate physicochemical difference between glycine and glutamic acid.

NM_181458.4(PAX3):c.1181G>A (p.Gly394Glu)

Gene: PAX3 (paired box 3; minus strand). Cytogenetic location: 2q36.1.
Variant type: single nucleotide variant.
Coding change: c.1181G>A on transcript NM_181458.4 (MANE Select); coding-DNA position 1181, G replaced by A.
Protein change: p.Gly394Glu; replaces glycine 394 with glutamic acid.
Molecular consequence: missense variant. On other transcripts: intron variant (2).
Genome position (GRCh38, 1-based): chr2:222,202,183, C>T on the plus strand (G>A on the coding strand, the complement: PAX3 is on the minus strand). VCF-style: chr2-222202183-C-T. GRCh37 (hg19) VCF-style: chr2-223066902-C-T.
Other names: c.1178G>A, p.Gly393Glu (NM_001127366.3); c.1181G>A, p.Gly394Glu (NM_181457.4, NM_181459.4); c.1174-741G>A (NM_181460.4, NM_181461.4); short protein forms G393E, G394E.
Identifiers: ClinVar variation 1430969 (VCV001430969.8), dbSNP rs1349084587, ClinGen allele CA351115918.
Genomic context (GRCh38, chr2:222,202,183, plus strand): 5'-GGGGAGAGCGCGTAATCAGTCTGGGGCTGATGAGGTACCCCACCGTGGTTGGTCAGGAGT[C>T]CCATTACCTAAAAAAACAGCCAGATTGGGAAGAGGTTAAAATGCAGAGAGATCCAGATTG-3'
Protein context (NP_852123.1, residues 384-404): IGNGLSPQVM[Gly394Glu]LLTNHGGVPH